The following is an entry in ClinVar:

NM_000512.5(GALNS):c.562G>T (p.Gly188Cys)

Gene: GALNS (galactosamine (N-acetyl)-6-sulfatase; minus strand). Cytogenetic location: 16q24.3.
Variant type: single nucleotide variant.
Coding change: c.562G>T on transcript NM_000512.5 (MANE Select); coding-DNA position 562, G replaced by T.
Protein change: p.Gly188Cys; replaces glycine 188 with cysteine.
Molecular consequence: missense variant.
Genome position (GRCh38, 1-based): chr16:88,837,626, C>A on the plus strand (G>T on the coding strand, the complement: GALNS is on the minus strand). VCF-style: chr16-88837626-C-A. GRCh37 (hg19) VCF-style: chr16-88904034-C-A.
Other names: c.7G>T, p.Gly3Cys (NM_001323543.2); c.580G>T, p.Gly194Cys (NM_001323544.2); short protein forms G188C, G194C, G3C.
Identifiers: ClinVar variation 4802784 (VCV004802784.1).

ClinVar aggregate classification (germline): Likely pathogenic (1 of 4 stars; one submission).

Conditions:
Mucopolysaccharidosis, MPS-IV-A (MPS4A). Also called: Mucopolysaccharidosis type IV A; Mucopolysaccharidosis Type IVA; Morquio syndrome A, mild; MORQUIO SYNDROME A; GALACTOSAMINE-6-SULFATASE DEFICIENCY; GALNS DEFICIENCY. Identifiers: Orphanet 309297, Orphanet 582, MedGen C0086651, MONDO:0009659, OMIM 253000.

Submission:

Labcorp Genetics (formerly Invitae), Labcorp
Classification: Likely pathogenic for Mucopolysaccharidosis, MPS-IV-A. Last evaluated: 2026-01-12. Review status: criteria provided, single submitter. Criteria: Invitae Variant Classification Sherloc (09022015). Collection method: clinical testing. Allele origin: germline.
Comment: This sequence change replaces glycine, which is neutral and non-polar, with cysteine, which is neutral and slightly polar, at codon 188 of the GALNS protein (p.Gly188Cys). This variant is not present in population databases (gnomAD no frequency). This variant has not been reported in the literature in individuals affected with GALNS-related conditions. Invitae Evidence Modeling of protein sequence and biophysical properties (such as structural, functional, and spatial information, amino acid conservation, physicochemical variation, residue mobility, and thermodynamic stability) indicates that this missense variant is expected to disrupt GALNS protein function with a positive predictive value of 95%. This variant disrupts the p.Gly188 amino acid residue in GALNS. Other variant(s) that disrupt this residue have been determined to be pathogenic (PMID: 25252036). This suggests that this residue is clinically significant, and that variants that disrupt this residue are likely to be disease-causing. In summary, the currently available evidence indicates that the variant is pathogenic, but additional data are needed to prove that conclusively. Therefore, this variant has been classified as Likely Pathogenic.

Literature cited by the submitters: PubMed 25252036.